The following is an entry in ClinVar:

NM_000257.4(MYH7):c.4730C>T (p.Ala1577Val)

Genes: MHRT (myosin heavy chain associated RNA transcript; plus strand), MYH7 (myosin heavy chain 7; minus strand), LOC126861897 (BRD4-independent group 4 enhancer GRCh37_chr14:23884455-23885654; plus strand). Cytogenetic location: 14q11.2.
Variant type: single nucleotide variant.
Coding change: c.4730C>T on transcript NM_000257.4 (MANE Select); coding-DNA position 4730, C replaced by T.
Protein change: p.Ala1577Val; replaces alanine 1577 with valine.
Molecular consequence: missense variant. On other transcripts: non-coding transcript variant (1).
Genome position (GRCh38, 1-based): chr14:23,416,227, G>A on the plus strand (C>T on the coding strand, the complement: MYH7 is on the minus strand). VCF-style: chr14-23416227-G-A. GRCh37 (hg19) VCF-style: chr14-23885436-G-A.
Other names: c.4730C>T, p.Ala1577Val (NM_001407004.1); short protein forms A1577V.
Identifiers: ClinVar variation 3072723 (VCV003072723.1), dbSNP rs2502245486, ClinGen allele CA389037762.
Genomic context (GRCh38, chr14:23,416,227, plus strand): 5'-AGCGAGTCCACCACCCGCAGGTGGTTGCGCTTGGCCTGTTCCATCTCCTCGTCCTTCTCT[G>A]CCAGCTTCCGCTCGATCTCTGCCTTGATCTGGTTGAACTCCAGCTGGGCCCGGAGGATCT-3'
Protein context (NP_000248.2, residues 1567-1587): QIKAEIERKL[Ala1577Val]EKDEEMEQAK

ClinVar aggregate classification (germline): Uncertain significance (1 of 4 stars; one submission).

Conditions:
Cardiomyopathy (CMYO). Also called: Cardiomyopathies. Identifiers: Orphanet 167848, MedGen C0878544, MONDO:0004994, HP:0001638. Inheritance: Various modes of inheritance.

Allele frequency attached by ClinVar (database versions not stated): gnomAD exomes 0.00001.
gnomAD v4.1: 15 of 1,613,996 alleles (0.00093%); highest among the groups gnomAD compares: Non-Finnish European, 0.0013%; no homozygotes.

Submission:

All of Us Research Program, National Institutes of Health
Classification: Uncertain significance for Cardiomyopathy. Last evaluated: 2023-08-15. Review status: criteria provided, single submitter. Criteria: ACMG Guidelines, 2015. Collection method: clinical testing. Allele origin: germline. Inheritance: Autosomal dominant inheritance. Observed: 1 variant allele, 1 heterozygote.
Comment: This missense variant replaces alanine with valine at codon 1577 of the MYH7 protein. Computational prediction suggests that this variant may not impact protein structure and function (internally defined REVEL score threshold <= 0.5, PMID: 27666373). To our knowledge, functional studies have not been reported for this variant. This variant has not been reported in individuals affected with MYH7-related disorders in the literature. This variant has not been identified in the general population by the Genome Aggregation Database (gnomAD). The available evidence is insufficient to determine the role of this variant in disease conclusively. Therefore, this variant is classified as a Variant of Uncertain Significance.

This study involves interpretation of variants in research participants for the purpose of population health screening. Participant phenotype was not available at the time of variant classification. Additional details can be found in publication PMID: 35346344, PMCID: PMC8962531